The following is an entry in ClinVar:

ClinVar aggregate classification (germline): Pathogenic. Review status: criteria provided, multiple submitters, no conflicts (2 of 4 stars). 5 submissions from 3 submitters: Pathogenic (2). 3 of the submissions do not count toward it. Last evaluated 2024-10-15.

Conditions:
BECKER NEVUS SYNDROME, SOMATIC, MOSAIC.
BECKER NEVUS, SOMATIC, MOSAIC.
CONGENITAL SMOOTH MUSCLE HAMARTOMA, SOMATIC, MOSAIC.
Becker nevus syndrome (BNS). Identifiers: Orphanet 64755, MedGen C1858042, MONDO:0011500, OMIM 604919.
Baraitser-Winter syndrome 1 (BRWS1). Also called: PACHYGYRIA, MENTAL RETARDATION, EPILEPSY, AND CHARACTERISTIC FACIES; MENTAL RETARDATION WITH EPILEPSY AND CHARACTERISTIC FACIES; Cerebrofrontofacial syndrome; BARAITSER-WINTER SYNDROME 1, ATYPICAL. Identifiers: Orphanet 2649, Orphanet 2995, MedGen C1855722, MONDO:0009470, OMIM 243310.

Submissions (5):

Clinical Genomics Laboratory, Washington University in St. Louis
Classification: Pathogenic for Becker nevus syndrome. Last evaluated: 2024-10-15. Review status: criteria provided, single submitter. Criteria: Leon-Quintero et al. (Clin Genet. 2025). Collection method: clinical testing. Allele origin: somatic. Affected: yes.
Comment: An ACTB c.439C>T (p.Arg147Cys) variant was identified at an allelic fraction consistent with somatic origin. This variant has been reported in multiple individuals in the literature with Becker's nevus, Becker's nevus syndrome and congenital smooth muscle hamartomas (Cai ED et al., PMID: 28347698; Atzmony L et al., PMID: 32170967; Dai S et al., PMID: 34944694). It has also been identified in two cases in the cancer database COSMIC (Genomic mutation ID: COSV100079717). This variant is absent from the general population (gnomAD v.4.1.0), indicating it is not a common variant. Another variant in the same codon, c.439C>A (p.Arg147Ser) has been reported and is considered pathogenic (Cai ED et al., PMID: 28347698; Atzmony L et al., PMID: 32170967). Computational predictors indicate that the variant is damaging, evidence that correlates with impact to ACTB function. Based on available information and an internally developed protocol informed by the ACMG/AMP guidelines for variant interpretation (Leon-Quintero FZ et al., PMID: 39434542), the ACTB c.439C>T (p.Arg147Cys) variant is classified as pathogenic.

Greenwood Genetic Center Diagnostic Laboratories, Greenwood Genetic Center
Classification: Pathogenic for Baraitser-Winter syndrome 1. Last evaluated: 2021-12-17. Review status: criteria provided, single submitter. Criteria: ACMG Guidelines, 2015. Collection method: clinical testing. Allele origin: germline. Affected: yes.
Comment: PS4, PM2, PP3, PP2

OMIM
Classification: Pathogenic for BECKER NEVUS SYNDROME, SOMATIC, MOSAIC. Last evaluated: 2023-08-11. Review status: no assertion criteria provided. Collection method: literature only. Allele origin: somatic. Not counted in ClinVar's aggregate classification.

OMIM
Classification: Pathogenic for BECKER NEVUS, SOMATIC, MOSAIC. Last evaluated: 2023-08-11. Review status: no assertion criteria provided. Collection method: literature only. Allele origin: somatic. Not counted in ClinVar's aggregate classification.

OMIM
Classification: Pathogenic for CONGENITAL SMOOTH MUSCLE HAMARTOMA, SOMATIC, MOSAIC. Last evaluated: 2023-08-11. Review status: no assertion criteria provided. Collection method: literature only. Allele origin: somatic. Not counted in ClinVar's aggregate classification.

Literature cited by the submitters: PubMed 28347698 (cited by OMIM); PubMed 32170967 (cited by OMIM).

NM_001101.5(ACTB):c.439C>T (p.Arg147Cys)

Gene: ACTB (actin beta; minus strand). Cytogenetic location: 7p22.1.
Variant type: single nucleotide variant.
Coding change: c.439C>T on transcript NM_001101.5 (MANE Select); coding-DNA position 439, C replaced by T.
Protein change: p.Arg147Cys; replaces arginine 147 with cysteine.
Molecular consequence: missense variant.
Genome position (GRCh38, 1-based): chr7:5,528,644, G>A on the plus strand (C>T on the coding strand, the complement: ACTB is on the minus strand). VCF-style: chr7-5528644-G-A. GRCh37 (hg19) VCF-style: chr7-5568275-G-A.
Other names: short protein forms R147C.
Identifiers: ClinVar variation 1334712 (VCV001334712.19), dbSNP rs2128241302, ClinGen allele CA366703663.
Genomic context (GRCh38, chr7:5,528,644, plus strand): 5'-CGTAGATGGGCACAGTGTGGGTGACCCCGTCACCGGAGTCCATCACGATGCCAGTGGTAC[G>A]GCCAGAGGCGTACAGGGATAGCACAGCCTGGATAGCAACGTACATGGCTGGGGTGTTGAA-3'
Protein context (NP_001092.1, residues 137-157): QAVLSLYASG[Arg147Cys]TTGIVMDSGD